The following is an entry in ClinVar:

ClinVar aggregate classification (germline): Benign/Likely benign. Review status: criteria provided, multiple submitters, no conflicts (2 of 4 stars). 8 submissions from 8 submitters: Benign (4); Likely benign (2). 2 of the submissions do not count toward it. Last evaluated 2026-02-01.

Conditions:
Cardiovascular phenotype. Identifiers: MedGen CN230736.
GATA4-related disorder. Also called: GATA4-related condition. Identifiers: MedGen CN860321.
Thoracic aortic aneurysm. Also called: Aneurysm of thoracic aorta. Identifiers: MedGen C0162872, MONDO:0005396, HP:0012727.
Testicular anomalies with or without congenital heart disease (TACHD). Identifiers: Orphanet 251510, MedGen C3809858, MONDO:0014239, OMIM 615542.
Ventricular septal defect 1 (VSD1). Identifiers: MedGen C3280777, MONDO:0013746, OMIM 614429.
Atrioventricular septal defect 4 (AVSD4). Identifiers: MedGen C3280781, MONDO:0013747, OMIM 614430.
Tetralogy of Fallot (TOF). Identifiers: Orphanet 3303, MedGen C0039685, MONDO:0008542, OMIM 187500, HP:0001636.
Atrial septal defect 2 (ASD2). Identifiers: Orphanet 1478, MedGen C1842778, MONDO:0011938, OMIM 607941.

Allele frequency attached by ClinVar (database versions not stated): 1000 Genomes Project 30x 0.00094; 1000 Genomes Project 0.00120; TOPMed 0.00126; ESP Exome Variant Server 0.00169; gnomAD exomes 0.00225 and 0.00358; gnomAD 0.00308 and 0.00326; ExAC 0.00360.
gnomAD v4.1: 3,734 of 1,614,136 alleles (0.23%); highest among the groups gnomAD compares: Non-Finnish European, 0.16%; 23 homozygotes.

Submissions (8):

Labcorp Genetics (formerly Invitae), Labcorp
Classification: Benign for Atrioventricular septal defect 4. Last evaluated: 2026-02-01. Review status: criteria provided, single submitter. Criteria: Invitae Variant Classification Sherloc (09022015). Collection method: clinical testing. Allele origin: germline.

CeGaT Center for Human Genetics Tuebingen
Classification: Benign. Last evaluated: 2025-09-01. Review status: criteria provided, single submitter. Criteria: CeGaT Center For Human Genetics Tuebingen Variant Classification Criteria Version 2. Collection method: clinical testing. Allele origin: germline. Affected: yes. Observed: 4 variant alleles.
Comment: GATA4: BS1, BS2

Women's Health and Genetics/Laboratory Corporation of America, LabCorp
Classification: Likely benign. Last evaluated: 2025-04-14. Review status: criteria provided, single submitter. Criteria: LabCorp Variant Classification Summary - May 2015. Collection method: clinical testing. Allele origin: germline.

Fulgent Genetics
Classification: Likely benign for Tetralogy of Fallot; Atrial septal defect 2; Ventricular septal defect 1; Atrioventricular septal defect 4; Testicular anomalies with or without congenital heart disease. Last evaluated: 2022-02-07. Review status: criteria provided, single submitter. Criteria: ACMG Guidelines, 2015. Collection method: clinical testing. Allele origin: unknown.

GeneDx
Classification: Benign. Last evaluated: 2020-03-13. Review status: criteria provided, single submitter. Criteria: GeneDx Variant Classification Process June 2021. Collection method: clinical testing. Allele origin: germline. Affected: yes.
Comment: This variant is associated with the following publications: (PMID: 32748548, 18055909, 20874241, 21631294, 20363377, 12939651)

Ambry Genetics
Classification: Benign for Cardiovascular phenotype. Last evaluated: 2017-01-03. Review status: criteria provided, single submitter. Criteria: Ambry Variant Classification Scheme 2023. Collection method: clinical testing. Allele origin: germline.

PreventionGenetics, part of Exact Sciences
Classification: Benign for GATA4-related condition. Last evaluated: 2019-07-26. Review status: no assertion criteria provided. Collection method: clinical testing. Allele origin: germline. Not counted in ClinVar's aggregate classification.
Comment: This variant is classified as benign based on ACMG/AMP sequence variant interpretation guidelines (Richards et al. 2015 PMID: 25741868, with internal and published modifications).

University of Washington Center for Mendelian Genomics, University of Washington
Classification: Likely pathogenic for thoracic aortic aneurysms. Review status: no assertion criteria provided. Collection method: research. Allele origin: inherited. Affected: yes. Not counted in ClinVar's aggregate classification.

Literature cited by the submitters: PubMed 32748548 (cited by University of Washington Center for Mendelian Genomics, University of Washington).

NM_001308093.3(GATA4):c.1235C>T (p.Ala412Val)

Gene: GATA4 (GATA binding protein 4). Cytogenetic location: 8p23.1.
Variant type: single nucleotide variant.
Coding change: c.1235C>T on transcript NM_001308093.3 (MANE Select); coding-DNA position 1235, C replaced by T.
Protein change: p.Ala412Val; replaces alanine 412 with valine.
Molecular consequence: missense variant.
Genome position (GRCh38, 1-based): chr8:11,758,378, C>T. VCF-style: chr8-11758378-C-T. GRCh37 (hg19) VCF-style: chr8-11615887-C-T.
Other names: c.1232C>T (NM_002052.4); c.614C>T, p.Ala205Val (NM_001308094.2, NM_001374273.1); c.488C>T, p.Ala163Val (NM_001374274.1); c.1232C>T, p.Ala411Val (NM_002052.5); short protein forms A411V, A412V, A205V, A163V.
Identifiers: ClinVar variation 239099 (VCV000239099.52), dbSNP rs55633527, ClinGen allele CA4630894.